The following is an entry in ClinVar:

NM_020401.4(NUP107):c.9-73A>G

Gene: NUP107 (nucleoporin 107; plus strand). Cytogenetic location: 12q15.
Variant type: single nucleotide variant.
Coding change: c.9-73A>G on transcript NM_020401.4 (MANE Select); 73 bases into the intron before coding-DNA position 9, A replaced by G.
Molecular consequence: intron variant.
Genome position (GRCh38, 1-based): chr12:68,688,889, A>G. VCF-style: chr12-68688889-A-G. GRCh37 (hg19) VCF-style: chr12-69082669-A-G.
Other names: c.-107-73A>G (NM_001330192.2).
Identifiers: ClinVar variation 1272631 (VCV001272631.4), dbSNP rs2259592, ClinGen allele CA13690042.
Genomic context (GRCh38, chr12:68,688,889, plus strand): 5'-GATCTAAGACTTGGCTACTAGAATGACTATACCTTAACTTACTCAGGGTCCTTTACTCCA[A>G]CTGTGATGATAAAATTCTTTATAAATGCTATATTCTCGTTTCACTTATATAAGCTTGATT-3'

ClinVar aggregate classification (germline): Benign. Review status: criteria provided, multiple submitters, no conflicts (2 of 4 stars). 3 submissions from 3 submitters: Benign (3). Last evaluated 2024-07-15.

Allele frequency attached by ClinVar (database versions not stated): gnomAD exomes 0.32440; TOPMed 0.33217; 1000 Genomes Project 30x 0.33323; 1000 Genomes Project 0.33486; gnomAD 0.33547 and 0.33676.

Submissions (3):

Unidad de Genómica Garrahan, Hospital de Pediatría Garrahan
Classification: Benign. Last evaluated: 2024-07-15. Review status: criteria provided, single submitter. Criteria: ACMG Guidelines, 2015. Collection method: clinical testing. Allele origin: germline. Affected: no. Observed: 50 variant alleles.
Comment: This variant is classified as Benign based on local population frequency. This variant was detected in 54% of patients studied in a panel designed for Epileptic and Developmental Encephalopathy and Progressive Myoclonus Epilepsy. Number of patients: 50. Only high quality variants are reported.

GeneDx
Classification: Benign. Last evaluated: 2019-08-20. Review status: criteria provided, single submitter. Criteria: GeneDx Variant Classification Process June 2021. Collection method: clinical testing. Allele origin: germline. Affected: yes.

Breakthrough Genomics
Classification: Benign. Review status: criteria provided, single submitter. Criteria: ACMG Guidelines, 2015. Collection method: not provided. Allele origin: germline. Inheritance: Autosomal recessive inheritance. Affected: yes.